The following is an entry in ClinVar:

NM_014727.3(KMT2B):c.3370C>T (p.Pro1124Ser)

Gene: KMT2B (lysine methyltransferase 2B; plus strand). Cytogenetic location: 19q13.12.
Variant type: single nucleotide variant.
Coding change: c.3370C>T on transcript NM_014727.3 (MANE Select); coding-DNA position 3370, C replaced by T.
Protein change: p.Pro1124Ser; replaces proline 1124 with serine.
Molecular consequence: missense variant.
Genome position (GRCh38, 1-based): chr19:35,724,672, C>T. VCF-style: chr19-35724672-C-T. GRCh37 (hg19) VCF-style: chr19-36215573-C-T.
Other names: short protein forms P1124S.
Identifiers: ClinVar variation 1806273 (VCV001806273.1), dbSNP rs1453288313, ClinGen allele CA405407439.

ClinVar aggregate classification (germline): Uncertain significance (1 of 4 stars; one submission).

Conditions:
Dystonia 28, childhood-onset (DYT28). Also called: KMT2B-Related Dystonia (DYT-KMT2B). Identifiers: Orphanet 589618, MedGen C4310633, MONDO:0015004, OMIM 617284.

Allele frequency attached by ClinVar (database versions not stated): gnomAD exomes below 0.00001; TOPMed below 0.00001; gnomAD 0.00001.
gnomAD v4.1: 6 of 1,602,498 alleles (0.00037%); highest among the groups gnomAD compares: African/African-American, 0.0013%; no homozygotes.

Submission:

Victorian Clinical Genetics Services, Murdoch Childrens Research Institute
Classification: Uncertain significance for Dystonia 28, childhood-onset. Last evaluated: 2020-05-25. Review status: criteria provided, single submitter. Criteria: ACMG Guidelines, 2015. Collection method: clinical testing. Allele origin: germline. Inheritance: Autosomal dominant inheritance. Affected: yes.
Comment: Based on the classification scheme VCGS_Germline_v1.1.1, this variant is classified as 3B - VUS. Following criteria are met: 0102 - Loss-of-function is a known mechanism of disease for this gene. (N) 0107 - This gene is known to be associated with autosomal dominant disease. (N) 0112 - Variants in this gene are known to have reduced penetrance (GeneReviews). (N) 0200 - Variant is predicted to result in a missense amino acid change from a proline to a serine (exon 9). (N) 0251 - Variant is heterozygous. (N) 0301 - Variant is absent from gnomAD. (P) 0309 - An alternative amino acid change at the same position has been observed in gnomAD (1 heterozygote, 0 homozygote). (N) 0502 - Missense variant with conflicting in silico predictions and uninformative conservation. (N) 0604 - Variant is not located in an established domain, motif, hotspot or informative constraint region. (N) 0705 - No comparable variants have previous evidence for pathogenicity. (N) 0807 - Variant has not previously been reported in a clinical context. (N) 0905 - No segregation evidence has been identified for this variant. (N) 1007 - No published functional evidence has been identified for this variant. (N) 1208 - Inheritance information for this variant is not currently available. (N) Legend: (P) - Pathogenic, (N) - Neutral, (B) - Benign